The following is an entry in ClinVar:

ClinVar aggregate classification (germline): Pathogenic (1 of 4 stars; one submission).

Conditions:
Charcot-Marie-Tooth disease type 4. Also called: Charcot-Marie-Tooth, Type 4; Charcot-Marie-Tooth disease, type IV. Identifiers: Orphanet 64749, MedGen C4082197, MONDO:0018995.

Allele frequency attached by ClinVar (database versions not stated): gnomAD exomes below 0.00001 and 0.00001; ExAC 0.00001; gnomAD 0.00001; TOPMed 0.00001.
gnomAD v4.1: 4 of 1,613,598 alleles (0.00025%); highest among the groups gnomAD compares: East Asian, 0.0022%; no homozygotes.

Submission:

Labcorp Genetics (formerly Invitae), Labcorp
Classification: Pathogenic for Charcot-Marie-Tooth disease type 4. Last evaluated: 2025-11-11. Review status: criteria provided, single submitter. Criteria: Invitae Variant Classification Sherloc (09022015). Collection method: clinical testing. Allele origin: germline.
Comment: This sequence change creates a premature translational stop signal (p.Arg577*) in the FGD4 gene. It is expected to result in an absent or disrupted protein product. Loss-of-function variants in FGD4 are known to be pathogenic (PMID: 17564972). This variant is present in population databases (rs778377449, gnomAD 0.005%). This variant has not been reported in the literature in individuals affected with FGD4-related conditions. ClinVar contains an entry for this variant (Variation ID: 408261). For these reasons, this variant has been classified as Pathogenic.

Literature cited by the submitters: PubMed 17564972.

NM_001370298.3(FGD4):c.2140C>T (p.Arg714Ter)

Gene: FGD4 (FYVE, RhoGEF and PH domain containing 4; plus strand). Cytogenetic location: 12p11.21.
Variant type: single nucleotide variant.
Coding change: c.2140C>T on transcript NM_001370298.3 (MANE Select); coding-DNA position 2140, C replaced by T.
Protein change: p.Arg714Ter; replaces arginine 714 with a stop codon.
Molecular consequence: nonsense.
Genome position (GRCh38, 1-based): chr12:32,625,747, C>T. VCF-style: chr12-32625747-C-T. GRCh37 (hg19) VCF-style: chr12-32778681-C-T.
Other names: c.1984C>T, p.Arg662Ter (NM_001304481.2); c.985C>T, p.Arg329Ter (NM_001304483.2); c.697C>T, p.Arg233Ter (NM_001304484.2); c.1450C>T, p.Arg484Ter (NM_001330373.2, NM_001330374.2, NM_001384130.1); c.1177C>T, p.Arg393Ter (NM_001370297.1); c.2140C>T, p.Arg714Ter (NM_001384126.1); c.1729C>T, p.Arg577Ter (NM_001384127.1, NM_001384128.1, NM_001385118.1 and 1 more transcripts); short protein forms R662*, R577*, R484*, R393*, R329*, R233*, R714*.
Identifiers: ClinVar variation 408261 (VCV000408261.7), dbSNP rs778377449, ClinGen allele CA6506992.
Genomic context (GRCh38, chr12:32,625,747, plus strand): 5'-ATCCGAGATAATGAAGTGACAATGTGTATGAAATGTAAAGAACCTTTCAATGCACTGACA[C>T]GAAGGAGGCATCATTGTCGAGCATGTGGATATGTAAGTGAGATTTCTTGATCATTAAGGT-3'